The following is an entry in ClinVar:

ClinVar aggregate classification (germline): Uncertain significance (1 of 4 stars; one submission).

Conditions:
Bronchiectasis with or without elevated sweat chloride 1 (BESC1). Also called: Cystic Fibrosis-Like Syndrome. Identifiers: Orphanet 60033, MedGen C2749757, MONDO:0008887, OMIM 211400.

Allele frequency attached by ClinVar (database versions not stated): gnomAD exomes below 0.00001; TOPMed below 0.00001; gnomAD 0.00001.

Submission:

Johns Hopkins Genomics, Johns Hopkins University
Classification: Uncertain significance for Bronchiectasis with or without elevated sweat chloride 1. Last evaluated: 2023-05-11. Review status: criteria provided, single submitter. Criteria: ACMG Guidelines, 2015. Collection method: clinical testing. Allele origin: germline.
Comment: This SCNN1B missense variant (rs1358331871) is rare (<0.1%) in a large population dataset (gnomAD v3.1.2: 1/152248 total alleles; 0.0007%; no homozygotes). It has not been reported in ClinVar,nor the literature, to our knowledge. Two bioinformatic tools queried predict that this substitution would be tolerated, but these algorithms have low specificity, especially for predicting gain of function variants. The methionine residue at this position is evolutionarily conserved across many of the species assessed. We consider the clinical significance of c.1329G>A; p.Met443Ile in SCNN1B to be uncertain at this time.

NM_000336.3(SCNN1B):c.1329G>A (p.Met443Ile)

Gene: SCNN1B (sodium channel epithelial 1 subunit beta; plus strand). Cytogenetic location: 16p12.2.
Variant type: single nucleotide variant.
Coding change: c.1329G>A on transcript NM_000336.3 (MANE Select); coding-DNA position 1329, G replaced by A.
Protein change: p.Met443Ile; replaces methionine 443 with isoleucine.
Molecular consequence: missense variant.
Genome position (GRCh38, 1-based): chr16:23,377,223, G>A. VCF-style: chr16-23377223-G-A. GRCh37 (hg19) VCF-style: chr16-23388544-G-A.
Other names: c.1221G>A, p.Met407Ile (NM_001410900.1); short protein forms M407I, M443I.
Identifiers: ClinVar variation 2503104 (VCV002503104.1), dbSNP rs1358331871, ClinGen allele CA395111103.
Genomic context (GRCh38, chr16:23,377,223, plus strand): 5'-AGCCCATTGCTACTCAGATCTACAGATGAGCGTGGCGCAGAGAGAGACCTGCATTGGCAT[G>A]TGCAAGGAGTCCTGCAAGTGAGTGCGGGTGGGCGGGCACAGCAGCGGGCAGGCATGGAGG-3'
Protein context (NP_000327.2, residues 433-453): SVAQRETCIG[Met443Ile]CKESCNDTQY